The following is an entry in ClinVar:

ClinVar aggregate classification (germline): Likely benign (1 of 4 stars; one submission).

Allele frequency attached by ClinVar (database versions not stated): gnomAD exomes 0.00017; ExAC 0.00048; 1000 Genomes Project 30x 0.00125; gnomAD 0.00131; 1000 Genomes Project 0.00160; TOPMed 0.00161; ESP Exome Variant Server 0.00192.

Submission:

CeGaT Center for Human Genetics Tuebingen
Classification: Likely benign. Last evaluated: 2022-07-01. Review status: criteria provided, single submitter. Criteria: CeGaT Center For Human Genetics Tuebingen Variant Classification Criteria Version 2. Collection method: clinical testing. Allele origin: germline. Affected: yes. Observed: 1 variant allele.
Comment: SLC45A4: BP4

NM_001286646.2(SLC45A4):c.340C>T (p.Leu114=)

Gene: SLC45A4 (solute carrier family 45 member 4; minus strand). Cytogenetic location: 8q24.3.
Variant type: single nucleotide variant.
Coding change: c.340C>T on transcript NM_001286646.2 (MANE Select); coding-DNA position 340, C replaced by T.
Protein change: p.Leu114=; no amino-acid change (leucine 114 retained).
Molecular consequence: synonymous variant.
Genome position (GRCh38, 1-based): chr8:141,221,667, G>A on the plus strand (C>T on the coding strand, the complement: SLC45A4 is on the minus strand). VCF-style: chr8-141221667-G-A. GRCh37 (hg19) VCF-style: chr8-142231766-G-A.
Other names: c.187C>T, p.Leu63= (NM_001080431.3, NM_001286648.2).
Identifiers: ClinVar variation 2658873 (VCV002658873.24), dbSNP rs139360300, ClinGen allele CA4898291.